The following is an entry in ClinVar:

ClinVar aggregate classification (germline): Pathogenic/Likely pathogenic. Review status: criteria provided, multiple submitters, no conflicts (2 of 4 stars). 5 submissions from 5 submitters: Pathogenic (2); Likely pathogenic (3). Last evaluated 2024-09-19.

Conditions:
Alstrom syndrome (ALMS). Identifiers: Orphanet 64, MedGen C0268425, MONDO:0008763, OMIM 203800.

gnomAD v4.1: 3 of 1,614,038 alleles (0.00019%); highest among the groups gnomAD compares: Non-Finnish European, 0.00025%; no homozygotes.

Submissions (5):

Natera, Inc.
Classification: Likely pathogenic for Alstrom syndrome. Last evaluated: 2024-09-19. Review status: criteria provided, single submitter. Criteria: Natera Variant Classification Schema (03/2026). Collection method: clinical testing. Allele origin: germline.
Comment: The c.1628T>A variant in ALMS1 is a nonsense variant predicted to introduce a stop codon at amino acid 543. This variant is expected to result in nonsense mediated decay, truncation, or a dysfunctional protein product. This variant is rare in the general population with a frequency below the threshold expected for the associated phenotype(s). Given the available evidence, this variant is classified as Likely Pathogenic.

GeneDx
Classification: Pathogenic. Last evaluated: 2024-07-03. Review status: criteria provided, single submitter. Criteria: GeneDx Variant Classification Process June 2021. Collection method: clinical testing. Allele origin: germline. Affected: yes.
Comment: Nonsense variant predicted to result in protein truncation or nonsense mediated decay in a gene for which loss of function is a known mechanism of disease; Not observed at significant frequency in large population cohorts (gnomAD); This variant is associated with the following publications: (PMID: 25846608, 32531858)

Fulgent Genetics
Classification: Likely pathogenic for Alstrom syndrome. Last evaluated: 2022-01-25. Review status: criteria provided, single submitter. Criteria: ACMG Guidelines, 2015. Collection method: clinical testing. Allele origin: unknown.

Labcorp Genetics (formerly Invitae), Labcorp
Classification: Pathogenic for Alstrom syndrome. Last evaluated: 2021-08-04. Review status: criteria provided, single submitter. Criteria: Invitae Variant Classification Sherloc (09022015). Collection method: clinical testing. Allele origin: germline.
Comment: This variant is not present in population databases (ExAC no frequency). For these reasons, this variant has been classified as Pathogenic. ClinVar contains an entry for this variant (Variation ID: 808770). This premature translational stop signal has been observed in individual(s) with Alstrom syndrome (PMID: 25846608). This sequence change creates a premature translational stop signal (p.Leu543*) in the ALMS1 gene. It is expected to result in an absent or disrupted protein product. Loss-of-function variants in ALMS1 are known to be pathogenic (PMID: 17594715).

CeGaT Center for Human Genetics Tuebingen
Classification: Likely pathogenic. Last evaluated: 2017-04-01. Review status: criteria provided, single submitter. Criteria: CeGaT Center For Human Genetics Tuebingen Variant Classification Criteria Version 2. Collection method: clinical testing. Allele origin: germline. Affected: yes. Observed: 1 variant allele.

Literature cited by the submitters: PubMed 25846608 (cited by Labcorp Genetics (formerly Invitae), Labcorp); PubMed 17594715 (cited by Labcorp Genetics (formerly Invitae), Labcorp).

NM_001378454.1(ALMS1):c.1625T>A (p.Leu542Ter)

Gene: ALMS1 (ALMS1 centrosome and basal body associated protein; plus strand). Cytogenetic location: 2p13.1.
Variant type: single nucleotide variant.
Coding change: c.1625T>A on transcript NM_001378454.1 (MANE Select); coding-DNA position 1625, T replaced by A.
Protein change: p.Leu542Ter; replaces leucine 542 with a stop codon.
Molecular consequence: nonsense.
Genome position (GRCh38, 1-based): chr2:73,448,152, T>A. VCF-style: chr2-73448152-T-A. GRCh37 (hg19) VCF-style: chr2-73675279-T-A.
Other names: c.1628T>A, p.Leu543Ter (NM_015120.4); short protein forms L543*, L542*.
Identifiers: ClinVar variation 808770 (VCV000808770.50), dbSNP rs1347176614, ClinGen allele CA347264958.
Genomic context (GRCh38, chr2:73,448,152, plus strand): 5'-TAAGTTCTCCTCTAGAAACTACTACTGGTCAACACACTGATACTCTCAACCAAAAGACAT[T>A]AGCAGATACTCATCTAACTGAAGAGACTCTGAAAGTCACAGCTATTCCTGAACCAGCTGA-3'